The following is an entry in ClinVar:

ClinVar aggregate classification (germline): Uncertain significance. Review status: criteria provided, multiple submitters, no conflicts (2 of 4 stars). 3 submissions from 3 submitters: Uncertain significance (3). Last evaluated 2025-12-01.

Conditions:
Inborn genetic diseases. Identifiers: MedGen C0950123, MeSH D030342.

gnomAD v4.1: 3 of 1,613,056 alleles (0.00019%); highest among the groups gnomAD compares: South Asian, 0.0011%; no homozygotes.

Submissions (3):

Labcorp Genetics (formerly Invitae), Labcorp
Classification: Uncertain significance. Last evaluated: 2025-12-01. Review status: criteria provided, single submitter. Criteria: Invitae Variant Classification Sherloc (09022015). Collection method: clinical testing. Allele origin: germline.
Comment: This sequence change replaces arginine, which is basic and polar, with cysteine, which is neutral and slightly polar, at codon 351 of the KCNQ4 protein (p.Arg351Cys). This variant is not present in population databases (gnomAD no frequency). This missense change has been observed in individual(s) with clinical features of KCNQ4-related conditions (PMID: 34599366). ClinVar contains an entry for this variant (Variation ID: 930077). Invitae Evidence Modeling of protein sequence and biophysical properties (such as structural, functional, and spatial information, amino acid conservation, physicochemical variation, residue mobility, and thermodynamic stability) has been performed for this missense variant. However, the output from this modeling did not meet the statistical confidence thresholds required to predict the impact of this variant on KCNQ4 protein function. In summary, the available evidence is currently insufficient to determine the role of this variant in disease. Therefore, it has been classified as a Variant of Uncertain Significance.

Ambry Genetics
Classification: Uncertain significance for Inborn genetic diseases. Last evaluated: 2024-03-30. Review status: criteria provided, single submitter. Criteria: Ambry Variant Classification Scheme 2023. Collection method: clinical testing. Allele origin: germline.

Laboratory for Molecular Medicine, Mass General Brigham Personalized Medicine
Classification: Uncertain significance. Last evaluated: 2020-02-11. Review status: criteria provided, single submitter. Criteria: LMM Criteria. Collection method: clinical testing. Allele origin: germline. Observed: 1 variant allele.
Comment: The p.Arg351Cys variant in KCNQ4 has not been previously reported in individuals with hearing loss and was absent from large population studies. Computational prediction tools and conservation analysis suggest that this variant may impact the protein, though this information is not predictive enough to determine pathogenicity. In summary, the clinical significance of this variant is uncertain. ACMG/AMP Criteria applied: PM2, PP3.

Literature cited by the submitters: PubMed 34599366 (cited by Labcorp Genetics (formerly Invitae), Labcorp).

NM_004700.4(KCNQ4):c.1051C>T (p.Arg351Cys)

Gene: KCNQ4 (potassium voltage-gated channel subfamily Q member 4; plus strand). Cytogenetic location: 1p34.2.
Variant type: single nucleotide variant.
Coding change: c.1051C>T on transcript NM_004700.4 (MANE Select); coding-DNA position 1051, C replaced by T.
Protein change: p.Arg351Cys; replaces arginine 351 with cysteine.
Molecular consequence: missense variant.
Genome position (GRCh38, 1-based): chr1:40,822,323, C>T. VCF-style: chr1-40822323-C-T. GRCh37 (hg19) VCF-style: chr1-41287995-C-T.
Other names: c.1051C>T, p.Arg351Cys (NM_172163.3); c.1051C>T (NM_004700.3); short protein forms R351C.
Identifiers: ClinVar variation 930077 (VCV000930077.6), dbSNP rs1167593525, ClinGen allele CA339896984.
Genomic context (GRCh38, chr1:40,822,323, plus strand): 5'-GACTGAGAGGCCTCACTGATGCCCCATCCCCCACGTCCCCCATACCACCAGGCTGCCTGG[C>T]GCCTGTACTCCACCGATATGAGCCGGGCCTACCTGACAGCCACCTGGTACTACTATGACA-3'
Protein context (NP_004691.2, residues 341-361): PAANLIQAAW[Arg351Cys]LYSTDMSRAY